The following is an entry in ClinVar:

ClinVar aggregate classification (germline): Uncertain significance (1 of 4 stars; one submission).

Conditions:
Pheochromocytoma. Also called: MAX-Related Hereditary Paraganglioma-Pheochromocytoma Syndrome. Identifiers: Orphanet 29072, MedGen C0031511, MONDO:0008233, OMIM 171300, HP:0002666.
Gastrointestinal stromal tumor. Also called: Gastrointestinal stromal tumor, somatic; Gastrointestinal stroma tumor. Identifiers: Orphanet 44890, MedGen C0238198, MeSH D046152, MONDO:0011719, OMIM 606764, HP:0100723.
Pheochromocytoma/paraganglioma syndrome 4. Also called: SDHB-Related Hereditary Paraganglioma-Pheochromocytoma Syndrome (Paragangliomas 4); SDHB-Related Hereditary Paraganglioma-Pheochromocytoma Syndrome; CAROTID BODY TUMORS AND MULTIPLE EXTRAADRENAL PHEOCHROMOCYTOMAS; PARAGANGLIOMA, FAMILIAL MALIGNANT; PARAGANGLIOMAS, HEREDITARY EXTRAADRENAL; PHEOCHROMOCYTOMA, FAMILIAL EXTRAADRENAL. Identifiers: Orphanet 29072, MedGen C1861848, MONDO:0007273, OMIM 115310.

Submission:

Labcorp Genetics (formerly Invitae), Labcorp
Classification: Uncertain significance for Gastrointestinal stromal tumor; Pheochromocytoma/paraganglioma syndrome 4; Pheochromocytoma. Last evaluated: 2022-08-09. Review status: criteria provided, single submitter. Criteria: Invitae Variant Classification Sherloc (09022015). Collection method: clinical testing. Allele origin: germline.
Comment: This sequence change replaces glutamic acid, which is acidic and polar, with alanine, which is neutral and non-polar, at codon 82 of the SDHB protein (p.Glu82Ala). This variant is not present in population databases (gnomAD no frequency). This variant has not been reported in the literature in individuals affected with SDHB-related conditions. Advanced modeling of protein sequence and biophysical properties (such as structural, functional, and spatial information, amino acid conservation, physicochemical variation, residue mobility, and thermodynamic stability) performed at Invitae indicates that this missense variant is expected to disrupt SDHB protein function. In summary, the available evidence is currently insufficient to determine the role of this variant in disease. Therefore, it has been classified as a Variant of Uncertain Significance.

NM_003000.3(SDHB):c.245A>C (p.Glu82Ala)

Gene: SDHB (succinate dehydrogenase complex iron sulfur subunit B; minus strand). Cytogenetic location: 1p36.13.
Variant type: single nucleotide variant.
Coding change: c.245A>C on transcript NM_003000.3 (MANE Select); coding-DNA position 245, A replaced by C.
Protein change: p.Glu82Ala; replaces glutamic acid 82 with alanine.
Molecular consequence: missense variant.
Genome position (GRCh38, 1-based): chr1:17,033,101, T>G on the plus strand (A>C on the coding strand, the complement: SDHB is on the minus strand). VCF-style: chr1-17033101-T-G. GRCh37 (hg19) VCF-style: chr1-17359596-T-G.
Other names: c.245A>C, p.Glu82Ala (NM_001407361.1); short protein forms E82A.
Identifiers: ClinVar variation 1952613 (VCV001952613.5), dbSNP rs2525031579, ClinGen allele CA338276532.
Genomic context (GRCh38, chr1:17,033,101, plus strand): 5'-ACAGGAATGAAATGCTCACCTTCTCTGCATGATCTTCGGAAGGTCAAAGTAGAGTCAACT[T>G]CATTCTTAATCTTGATTAAAGCATCCAATACCATGGGGCCACATCTAACAAAGAAAAATA-3'
Protein context (NP_002991.2, residues 72-92): VLDALIKIKN[Glu82Ala]VDSTLTFRRS